The following is an entry in ClinVar:

ClinVar aggregate classification (germline): Benign (0 of 4 stars; one submission).

Conditions:
DNAH10-related disorder. Also called: DNAH10-related condition.

gnomAD v4.1: 13,506 of 1,613,840 alleles (0.84%); highest among the groups gnomAD compares: African/African-American, 11%; 522 homozygotes.

Submission:

PreventionGenetics, part of Exact Sciences
Classification: Benign for DNAH10-related condition. Last evaluated: 2024-05-16. Review status: no assertion criteria provided. Collection method: clinical testing. Allele origin: germline.
Comment: This variant is classified as benign based on ACMG/AMP sequence variant interpretation guidelines (Richards et al. 2015 PMID: 25741868, with internal and published modifications).

NM_001372106.1(DNAH10):c.7443C>T (p.Asp2481=)

Gene: DNAH10 (dynein axonemal heavy chain 10; plus strand). Cytogenetic location: 12q24.31.
Variant type: single nucleotide variant.
Coding change: c.7443C>T on transcript NM_001372106.1 (MANE Select); coding-DNA position 7443, C replaced by T.
Protein change: p.Asp2481=; no amino-acid change (aspartic acid 2481 retained).
Molecular consequence: synonymous variant.
Genome position (GRCh38, 1-based): chr12:123,868,043, C>T. VCF-style: chr12-123868043-C-T. GRCh37 (hg19) VCF-style: chr12-124352590-C-T.
Other names: c.7089C>T, p.Asp2363= (NM_207437.3).
Identifiers: ClinVar variation 3344053 (VCV003344053.1).